The following is an entry in ClinVar:

ClinVar aggregate classification (germline): Likely pathogenic. Review status: criteria provided, multiple submitters, no conflicts (2 of 4 stars). 3 submissions from 3 submitters: Likely pathogenic (3). Last evaluated 2025-08-01.

Conditions:
Hereditary cancer-predisposing syndrome. Also called: Neoplastic Syndromes, Hereditary; Hereditary Cancer Syndrome; Tumor predisposition; Hereditary neoplastic syndrome. Identifiers: Orphanet 140162, MedGen C0027672, MeSH D009386, MONDO:0015356.
Hereditary breast ovarian cancer syndrome. Also called: Hereditary breast and ovarian cancer syndrome; Hereditary breast and ovarian cancer syndrome (HBOC); Hereditary breast and ovarian cancer; Hereditary breast and/or ovarian cancer syndrome; Breast and ovarian cancer; BRCA1- and BRCA2-Associated Hereditary Breast and Ovarian Cancer. Identifiers: Orphanet 145, MedGen C0677776, MeSH D061325, MONDO:0003582. Disease mechanism: loss of function.

Submissions (3):

CeGaT Center for Human Genetics Tuebingen
Classification: Likely pathogenic. Last evaluated: 2025-08-01. Review status: criteria provided, single submitter. Criteria: CeGaT Center For Human Genetics Tuebingen Variant Classification Criteria Version 2. Collection method: clinical testing. Allele origin: germline. Affected: yes. Observed: 2 variant alleles.
Comment: BRCA2: PVS1:Strong, PM2

Ambry Genetics
Classification: Likely pathogenic for Hereditary cancer-predisposing syndrome. Last evaluated: 2024-01-31. Review status: criteria provided, single submitter. Criteria: Ambry Variant Classification Scheme 2023. Collection method: clinical testing. Allele origin: germline.
Comment: The c.9117_9117+11del12 variant results from a deletion of 12 nucleotides between positions 9117 and 9117+11 and involves the canonical splice donor site after coding exon 22 of the BRCA2 gene. The canonical splice donor site is highly conserved in available vertebrate species. In silico splice site analysis predicts that this alteration will weaken the native splice donor site. Alterations that disrupt the canonical splice site are expected to cause aberrant splicing, resulting in an abnormal protein or a transcript that is subject to nonsense-mediated mRNA decay. Based on the majority of available evidence to date, this variant is likely to be pathogenic.

Labcorp Genetics (formerly Invitae), Labcorp
Classification: Likely pathogenic for Hereditary breast ovarian cancer syndrome. Last evaluated: 2018-09-17. Review status: criteria provided, single submitter. Criteria: Invitae Variant Classification Sherloc (09022015). Collection method: clinical testing. Allele origin: germline.
Comment: This sequence change affects a donor splice site in intron 23 of the BRCA2 gene. It is expected to disrupt RNA splicing and likely results in an absent or disrupted protein product. This variant is not present in population databases (ExAC no frequency). This variant has not been reported in the literature in individuals with BRCA2-related disease. Donor and acceptor splice site variants typically lead to a loss of protein function (PMID: 16199547), and loss-of-function variants in BRCA2 are known to be pathogenic (PMID: 20104584). In summary, the currently available evidence indicates that the variant is pathogenic, but additional data are needed to prove that conclusively. Therefore, this variant has been classified as Likely Pathogenic.

Literature cited by the submitters: PubMed 16199547 (cited by Labcorp Genetics (formerly Invitae), Labcorp); PubMed 20104584 (cited by Labcorp Genetics (formerly Invitae), Labcorp).

NM_000059.4(BRCA2):c.9117_9117+11del

Gene: BRCA2 (BRCA2 DNA repair associated; plus strand). Cytogenetic location: 13q13.1.
Variant type: Deletion.
Coding change: c.9117_9117+11del on transcript NM_000059.4 (MANE Select); coding-DNA position 9117 through 11 bases into the intron after coding-DNA position 9117, 12 bases deleted (GGTACAAACCTT).
Molecular consequence: splice donor variant.
Genome position (GRCh38, 1-based): chr13:32,379,913-32,379,924, GGTACAAACCTT deleted. VCF-style (leftmost placement, unchanged base first): chr13-32379912-CGGTACAAACCTT-C. GRCh37 (hg19) VCF-style: chr13-32954049-CGGTACAAACCTT-C.
Other names: c.9117_9117+11delGGTACAAACCTT (NM_000059.3); c.9117_9117+11del12 (NM_000059.3).
Identifiers: ClinVar variation 643279 (VCV000643279.34), dbSNP rs1593937758, ClinGen allele CA915948619.
Genomic context (GRCh38, chr13:32,379,912, plus strand): 5'-AATCTGAAAGAGCTAACATACAGTTAGCAGCGACAAAAAAAACTCAGTATCAACAACTAC[CGGTACAAACCTT>C]TCATTGTAATTTTTCAGTTTTGATAAGTGCTTGTTAGTTTATGGAATCTCCATATGTTGA-3'